The following is an entry in ClinVar:

ClinVar aggregate classification (germline): Uncertain significance (1 of 4 stars; one submission).

Conditions:
Renal cell carcinoma. Identifiers: Orphanet 217071, MedGen C0007134, MeSH D002292, MONDO:0005086, HP:0005584.

Submission:

Labcorp Genetics (formerly Invitae), Labcorp
Classification: Uncertain significance for Renal cell carcinoma. Last evaluated: 2024-04-16. Review status: criteria provided, single submitter. Criteria: Invitae Variant Classification Sherloc (09022015). Collection method: clinical testing. Allele origin: germline.
Comment: This sequence change replaces arginine, which is basic and polar, with glycine, which is neutral and non-polar, at codon 1188 of the MET protein (p.Arg1188Gly). This variant is not present in population databases (gnomAD no frequency). This variant has not been reported in the literature in individuals affected with MET-related conditions. ClinVar contains an entry for this variant (Variation ID: 1487950). Advanced modeling of protein sequence and biophysical properties (such as structural, functional, and spatial information, amino acid conservation, physicochemical variation, residue mobility, and thermodynamic stability) performed at Invitae indicates that this missense variant is expected to disrupt MET protein function with a positive predictive value of 80%. In summary, the available evidence is currently insufficient to determine the role of this variant in disease. Therefore, it has been classified as a Variant of Uncertain Significance.

NM_000245.4(MET):c.3508C>G (p.Arg1170Gly)

Gene: MET (MET proto-oncogene, receptor tyrosine kinase; plus strand). Cytogenetic location: 7q31.2.
Variant type: single nucleotide variant.
Coding change: c.3508C>G on transcript NM_000245.4 (MANE Select); coding-DNA position 3508, C replaced by G.
Protein change: p.Arg1170Gly; replaces arginine 1170 with glycine.
Molecular consequence: missense variant.
Genome position (GRCh38, 1-based): chr7:116,778,943, C>G. VCF-style: chr7-116778943-C-G. GRCh37 (hg19) VCF-style: chr7-116418997-C-G.
Other names: c.3562C>G, p.Arg1188Gly (NM_001127500.3); c.2218C>G, p.Arg740Gly (NM_001324402.2); short protein forms R1170G, R1188G, R740G.
Identifiers: ClinVar variation 1487950 (VCV001487950.8), dbSNP rs200754673, ClinGen allele CA368990339.
Genomic context (GRCh38, chr7:116,778,943, plus strand): 5'-GAAGGGTCTCCGCTGGTGGTCCTACCATACATGAAACATGGAGATCTTCGAAATTTCATT[C>G]GAAATGAGACTCATGTAAGTTGACTGCCAAGCTTACTAACTGGCAAACTAGCTGTAAGCC-3'
Protein context (NP_000236.2, residues 1160-1180): MKHGDLRNFI[Arg1170Gly]NETHNPTVKD